The following is an entry in ClinVar:

ClinVar aggregate classification (germline): Uncertain significance (1 of 4 stars; one submission).

Conditions:
Neuropathy, hereditary sensory and autonomic, type 2A (HSAN2A). Also called: ACROOSTEOLYSIS, GIACCAI TYPE; ACROOSTEOLYSIS, NEUROGENIC; MORVAN DISEASE; NEUROPATHY, CONGENITAL SENSORY; NEUROPATHY, HEREDITARY SENSORY RADICULAR, AUTOSOMAL RECESSIVE; NEUROPATHY, HEREDITARY SENSORY, TYPE IIA. Identifiers: Orphanet 970, MedGen C2752089, MONDO:0024309, OMIM 201300.
Pseudohypoaldosteronism type 2C (PHA2C). Also called: Pseudohypoaldosteronism Type IIC. Identifiers: Orphanet 757, Orphanet 88940, MedGen C1840391, MONDO:0013778, OMIM 614492.

gnomAD v4.1: 13 of 1,614,020 alleles (0.00081%); highest among the groups gnomAD compares: Non-Finnish European, 0.0011%; no homozygotes.

Submission:

Labcorp Genetics (formerly Invitae), Labcorp
Classification: Uncertain significance for Neuropathy, hereditary sensory and autonomic, type 2A; Pseudohypoaldosteronism type 2C. Last evaluated: 2022-01-26. Review status: criteria provided, single submitter. Criteria: Invitae Variant Classification Sherloc (09022015). Collection method: clinical testing. Allele origin: germline.
Comment: In summary, the available evidence is currently insufficient to determine the role of this variant in disease. Therefore, it has been classified as a Variant of Uncertain Significance. Advanced modeling of protein sequence and biophysical properties (such as structural, functional, and spatial information, amino acid conservation, physicochemical variation, residue mobility, and thermodynamic stability) performed at Invitae indicates that this missense variant is not expected to disrupt WNK1 protein function. This variant has not been reported in the literature in individuals affected with WNK1-related conditions. This variant is not present in population databases (gnomAD no frequency). This sequence change replaces glutamine, which is neutral and polar, with leucine, which is neutral and non-polar, at codon 1092 of the WNK1 protein (p.Gln1092Leu).

NM_213655.5(WNK1):c.3275A>T (p.Gln1092Leu)

Gene: WNK1 (WNK lysine deficient protein kinase 1; plus strand). Cytogenetic location: 12p13.33.
Variant type: single nucleotide variant.
Coding change: c.3275A>T on transcript NM_213655.5 (MANE Plus Clinical); coding-DNA position 3275, A replaced by T.
Protein change: p.Gln1092Leu; replaces glutamine 1092 with leucine.
Molecular consequence: missense variant. On other transcripts: intron variant (2).
Genome position (GRCh38, 1-based): chr12:868,746, A>T. VCF-style: chr12-868746-A-T. GRCh37 (hg19) VCF-style: chr12-977912-A-T.
Other names: c.3020A>T, p.Gln1007Leu (NM_001184985.2); c.2140-2519A>T (NM_018979.4, NM_014823.3); short protein forms Q1007L, Q1092L.
Identifiers: ClinVar variation 2042578 (VCV002042578.4), dbSNP rs1432929457, ClinGen allele CA383341753.